The following is an entry in ClinVar:

ClinVar aggregate classification (germline): Uncertain significance (1 of 4 stars; one submission).

Allele frequency attached by ClinVar (database versions not stated): gnomAD 0.00001; gnomAD exomes 0.00001.
gnomAD v4.1: 20 of 1,614,012 alleles (0.0012%); highest among the groups gnomAD compares: Non-Finnish European, 0.0016%; no homozygotes.

Submission:

Labcorp Genetics (formerly Invitae), Labcorp
Classification: Uncertain significance. Last evaluated: 2022-06-13. Review status: criteria provided, single submitter. Criteria: Invitae Variant Classification Sherloc (09022015). Collection method: clinical testing. Allele origin: germline.
Comment: This sequence change replaces lysine, which is basic and polar, with glutamic acid, which is acidic and polar, at codon 926 of the SPTBN2 protein (p.Lys926Glu). This variant is not present in population databases (gnomAD no frequency). In summary, the available evidence is currently insufficient to determine the role of this variant in disease. Therefore, it has been classified as a Variant of Uncertain Significance. Advanced modeling of protein sequence and biophysical properties (such as structural, functional, and spatial information, amino acid conservation, physicochemical variation, residue mobility, and thermodynamic stability) performed at Invitae indicates that this missense variant is not expected to disrupt SPTBN2 protein function. This variant has not been reported in the literature in individuals affected with SPTBN2-related conditions.

NM_006946.4(SPTBN2):c.2776A>G (p.Lys926Glu)

Gene: SPTBN2 (spectrin beta, non-erythrocytic 2; minus strand). Cytogenetic location: 11q13.2.
Variant type: single nucleotide variant.
Coding change: c.2776A>G on transcript NM_006946.4 (MANE Select); coding-DNA position 2776, A replaced by G.
Protein change: p.Lys926Glu; replaces lysine 926 with glutamic acid.
Molecular consequence: missense variant.
Genome position (GRCh38, 1-based): chr11:66,701,624, T>C on the plus strand (A>G on the coding strand, the complement: SPTBN2 is on the minus strand). VCF-style: chr11-66701624-T-C. GRCh37 (hg19) VCF-style: chr11-66469095-T-C.
Other names: short protein forms K926E.
Identifiers: ClinVar variation 1476419 (VCV001476419.6), dbSNP rs1941251545, ClinGen allele CA381476873.